The following is an entry in ClinVar:

NM_007294.4(BRCA1):c.-19-6T>C

Gene: BRCA1 (BRCA1 DNA repair associated; minus strand). Cytogenetic location: 17q21.31.
Variant type: single nucleotide variant.
Coding change: c.-19-6T>C on transcript NM_007294.4 (MANE Select); 6 bases into the intron before 19 bases upstream of the start codon, T replaced by C.
Molecular consequence: intron variant. On other transcripts: 5 prime UTR variant (10).
Genome position (GRCh38, 1-based): chr17:43,124,121, A>G on the plus strand (T>C on the coding strand, the complement: BRCA1 is on the minus strand). VCF-style: chr17-43124121-A-G. GRCh37 (hg19) VCF-style: chr17-41276138-A-G.
Other names: c.-25T>C (NM_001407593.1, NM_001407610.1, NM_001407621.1 and 6 more transcripts); c.-213T>C (NM_001408483.1); c.-61-8342T>C (NM_001408458.1); c.-219+1156T>C (NM_001407967.1); c.-93-19T>C (NM_001407738.1, NM_001408461.1); c.-194-19T>C (NM_001407886.1, NM_001407899.1, NM_001408507.1 and 1 more transcripts); c.-6-19T>C (NM_001407686.1, NM_001408397.1, NM_001407632.1 and 21 more transcripts); c.-224+1156T>C (NM_001408510.1, NM_001407962.1, NM_001408512.1); and 28 more.
Identifiers: ClinVar variation 2787862 (VCV002787862.3), dbSNP rs2154578338, ClinGen allele CA2638065558.
Genomic context (GRCh38, chr17:43,124,121, plus strand): 5'-TTGTACTTCTTCAACGCGAAGAGCAGATAAATCCATTTCTTTCTGTTCCAATGAACTTTA[A>G]CACATTAGAAAAACATATATATATATCTTTTTAAAAGGTTTATAAAATGACAACTTCATT-3'

ClinVar aggregate classification (germline): Uncertain significance (1 of 4 stars; one submission).

Conditions:
Hereditary breast ovarian cancer syndrome. Also called: Hereditary breast and ovarian cancer syndrome; Hereditary breast and ovarian cancer syndrome (HBOC); Hereditary breast and/or ovarian cancer syndrome; Breast and ovarian cancer; Hereditary breast and ovarian cancer; BRCA1- and BRCA2-Associated Hereditary Breast and Ovarian Cancer. Identifiers: Orphanet 145, MedGen C0677776, MeSH D061325, MONDO:0003582. Disease mechanism: loss of function.

Allele frequency attached by ClinVar (database versions not stated): gnomAD exomes below 0.00001.
gnomAD v4.1: 1 of 1,513,522 alleles (0.000066%); highest among the groups gnomAD compares: Non-Finnish European, 0.000092%; no homozygotes.

Submission:

Labcorp Genetics (formerly Invitae), Labcorp
Classification: Uncertain significance for Hereditary breast ovarian cancer syndrome. Last evaluated: 2023-09-06. Review status: criteria provided, single submitter. Criteria: Invitae Variant Classification Sherloc (09022015). Collection method: clinical testing. Allele origin: germline.
Comment: This variant is not present in population databases (gnomAD no frequency). This variant occurs in a non-coding region of the BRCA1 gene. It does not change the encoded amino acid sequence of the BRCA1 protein. This variant has not been reported in the literature in individuals affected with BRCA1-related conditions. Algorithms developed to predict the effect of sequence changes on RNA splicing suggest that this variant is not likely to affect RNA splicing. In summary, the available evidence is currently insufficient to determine the role of this variant in disease. Therefore, it has been classified as a Variant of Uncertain Significance.